The following is an entry in ClinVar:

NM_058195.4(CDKN2A):c.152G>A (p.Arg51Lys)

Gene: CDKN2A (cyclin dependent kinase inhibitor 2A; minus strand). Cytogenetic location: 9p21.3.
Variant type: single nucleotide variant.
Coding change: c.152G>A on transcript NM_058195.4 (MANE Plus Clinical); coding-DNA position 152, G replaced by A.
Protein change: p.Arg51Lys; replaces arginine 51 with lysine.
Molecular consequence: missense variant. On other transcripts: intron variant (1).
Genome position (GRCh38, 1-based): chr9:21,994,180, C>T on the plus strand (G>A on the coding strand, the complement: CDKN2A is on the minus strand). VCF-style: chr9-21994180-C-T. GRCh37 (hg19) VCF-style: chr9-21994179-C-T.
Other names: c.-4+641G>A (NM_001363763.2); short protein forms R51K.
Identifiers: ClinVar variation 1774595 (VCV001774595.3), dbSNP rs1014358179, ClinGen allele CA373086847.

ClinVar aggregate classification (germline): Uncertain significance (1 of 4 stars; one submission).

Conditions:
Hereditary cancer-predisposing syndrome. Also called: Hereditary neoplastic syndrome; Neoplastic Syndromes, Hereditary; Tumor predisposition; Hereditary Cancer Syndrome. Identifiers: Orphanet 140162, MedGen C0027672, MeSH D009386, MONDO:0015356.

Submission:

Ambry Genetics
Classification: Uncertain significance for Hereditary cancer-predisposing syndrome. Last evaluated: 2025-04-03. Review status: criteria provided, single submitter. Criteria: Ambry Variant Classification Scheme 2023. Collection method: clinical testing. Allele origin: germline.
Comment: The p.R51K variant (also known as c.152G>A), located in coding exon 1 of the CDKN2A gene, results from a G to A substitution at nucleotide position 152. The arginine at codon 51 is replaced by lysine, an amino acid with highly similar properties. This amino acid position is highly conserved in available vertebrate species. In addition, the in silico prediction for this alteration is inconclusive. Since supporting evidence is limited at this time, the clinical significance of this alteration remains unclear.